The following is an entry in ClinVar:

NM_001042492.3(NF1):c.8113+20G>A

Gene: NF1 (neurofibromin 1; plus strand). Cytogenetic location: 17q11.2.
Variant type: single nucleotide variant.
Coding change: c.8113+20G>A on transcript NM_001042492.3 (MANE Select); 20 bases into the intron after coding-DNA position 8113, G replaced by A.
Molecular consequence: intron variant.
Genome position (GRCh38, 1-based): chr17:31,358,642, G>A. VCF-style: chr17-31358642-G-A. GRCh37 (hg19) VCF-style: chr17-29685660-G-A.
Other names: c.8050+20G>A (NM_000267.4).
Identifiers: ClinVar variation 257306 (VCV000257306.35), dbSNP rs55747230, ClinGen allele CA8487730.

ClinVar aggregate classification (germline): Benign. Review status: criteria provided, multiple submitters, no conflicts (2 of 4 stars). 14 submissions from 13 submitters: Benign (11). 3 of the submissions do not count toward it. Last evaluated 2026-02-04.

Conditions:
Neurofibromatosis, familial spinal (FSNF). Identifiers: Orphanet 636, MedGen C1834235, MONDO:0008078, OMIM 162210. Disease mechanism: loss of function.
Neurofibromatosis, type 1 (NF1). Also called: VON RECKLINGHAUSEN DISEASE; Peripheral type neurofibromatosis; NEUROFIBROMATOSIS, TYPE I, SOMATIC; Neurofibromatosis, type I. Identifiers: Orphanet 636, MedGen C0027831, MONDO:0018975, OMIM 162200. Disease mechanism: loss of function.

Allele frequency attached by ClinVar (database versions not stated): ExAC 0.01263; gnomAD exomes 0.01324 and 0.01809; ESP Exome Variant Server 0.01338; TOPMed 0.01346; gnomAD 0.01370 and 0.01406.
gnomAD v4.1: 28,339 of 1,613,800 alleles (1.8%); highest among the groups gnomAD compares: Non-Finnish European, 2.1%; 301 homozygotes.

Submissions (14):

Labcorp Genetics (formerly Invitae), Labcorp
Classification: Benign for Neurofibromatosis, type 1. Last evaluated: 2026-02-04. Review status: criteria provided, single submitter. Criteria: Invitae Variant Classification Sherloc (09022015). Collection method: clinical testing. Allele origin: germline.

ARUP Laboratories, Molecular Genetics and Genomics, ARUP Laboratories
Classification: Benign. Last evaluated: 2025-07-31. Review status: criteria provided, single submitter. Criteria: ARUP Molecular Germline Variant Investigation Process 2024. Collection method: clinical testing. Allele origin: germline.

Center for Genomic Medicine, Rigshospitalet, Copenhagen University Hospital
Classification: Benign. Last evaluated: 2025-03-04. Review status: criteria provided, single submitter. Criteria: ACMG Guidelines, 2015. Collection method: clinical testing. Allele origin: germline.

KCCC/NGS Laboratory, Kuwait Cancer Control Center
Classification: Benign for Neurofibromatosis, type 1. Last evaluated: 2025-02-01. Review status: criteria provided, single submitter. Criteria: ACMG Guidelines, 2015. Collection method: clinical testing. Allele origin: germline. Affected: no.

Blueprint Genetics
Classification: Benign. Last evaluated: 2024-11-27. Review status: criteria provided, single submitter. Criteria: ACMG Guidelines, 2015. Collection method: clinical testing. Allele origin: germline.

KCCC/NGS Laboratory, Kuwait Cancer Control Center
Classification: Benign for Neurofibromatosis, familial spinal. Last evaluated: 2023-07-07. Review status: criteria provided, single submitter. Criteria: ACMG Guidelines, 2015. Collection method: clinical testing. Allele origin: germline. Affected: yes.

Genome-Nilou Lab
Classification: Benign for Neurofibromatosis, type 1. Last evaluated: 2022-03-15. Review status: criteria provided, single submitter. Criteria: ACMG Guidelines, 2015. Collection method: clinical testing. Allele origin: germline. Affected: no.

Women's Health and Genetics/Laboratory Corporation of America, LabCorp
Classification: Benign. Last evaluated: 2019-08-12. Review status: criteria provided, single submitter. Criteria: LabCorp Variant Classification Summary - May 2015. Collection method: clinical testing. Allele origin: germline.
Comment: Variant summary: NF1 c.8050+20G>A alters a non-conserved nucleotide located close to a canonical splice site and therefore could affect mRNA splicing, leading to a significantly altered protein sequence. 5/5 computational tools predict no significant impact on normal splicing. However, these predictions have yet to be confirmed by functional studies. The variant allele was found at a frequency of 0.013 in 251088 control chromosomes, predominantly at a frequency of 0.019 within the Non-Finnish European subpopulation in the gnomAD database, including 25 homozygotes. The observed variant frequency within Non-Finnish European control individuals in the gnomAD database is approximately 8000-folds over the estimated maximal expected allele frequency for a pathogenic variant in NF1 causing Noonan Syndrome and Related Conditions phenotype (2.5e-06), strongly suggesting that the variant is a benign polymorphism found primarily in populations of Non-Finnish European origin. Two ClinVar submissions (evaluation after 2014) cite the varinat as benign. Based on the evidence outlined above, the variant was classified as benign.

GeneDx
Classification: Benign. Last evaluated: 2016-04-08. Review status: criteria provided, single submitter. Criteria: GeneDx Variant Classification (06012015). Collection method: clinical testing. Allele origin: germline. Affected: yes.
Comment: This variant is considered likely benign or benign based on one or more of the following criteria: it is a conservative change, it occurs at a poorly conserved position in the protein, it is predicted to be benign by multiple in silico algorithms, and/or has population frequency not consistent with disease.

Breakthrough Genomics
Classification: Benign. Review status: criteria provided, single submitter. Criteria: ACMG Guidelines, 2015. Collection method: not provided. Allele origin: germline. Inheritance: Autosomal dominant inheritance. Affected: yes.

PreventionGenetics, part of Exact Sciences
Classification: Benign. Review status: criteria provided, single submitter. Criteria: ACMG Guidelines, 2015. Collection method: clinical testing. Allele origin: germline.

Clinical Genetics DNA and cytogenetics Diagnostics Lab, Erasmus MC, Erasmus Medical Center
Classification: Benign. Review status: no assertion criteria provided. Collection method: clinical testing. Allele origin: germline. Affected: yes. Study: VKGL Data-share Consensus. Not counted in ClinVar's aggregate classification.

Genome Diagnostics Laboratory, Amsterdam University Medical Center
Classification: Benign. Review status: no assertion criteria provided. Collection method: clinical testing. Allele origin: germline. Affected: yes. Study: VKGL Data-share Consensus. Not counted in ClinVar's aggregate classification.

Joint Genome Diagnostic Labs from Nijmegen and Maastricht, Radboudumc and MUMC+
Classification: Benign. Review status: no assertion criteria provided. Collection method: clinical testing. Allele origin: germline. Affected: yes. Study: VKGL Data-share Consensus. Not counted in ClinVar's aggregate classification.

Literature cited by the submitters: PubMed 10678181 (cited by Women's Health and Genetics/Laboratory Corporation of America, LabCorp); PubMed 23460398 (cited by Women's Health and Genetics/Laboratory Corporation of America, LabCorp); PubMed 27069254 (cited by Women's Health and Genetics/Laboratory Corporation of America, LabCorp).